The following is an entry in ClinVar:

NM_000529.2(MC2R):c.634del (p.Arg212fs)

Gene: MC2R (melanocortin 2 receptor; minus strand). Cytogenetic location: 18p11.21.
Variant type: Deletion.
Coding change: c.634del on transcript NM_000529.2 (MANE Select); coding-DNA position 634, one base deleted (A; older notation c.634delA).
Protein change: p.Arg212fs; shifts the reading frame from arginine 212.
Molecular consequence: frameshift variant.
Genome position (GRCh38, 1-based): chr18:13,884,885, T deleted on the plus strand (A on the coding strand, the reverse complement: MC2R is on the minus strand). VCF-style (leftmost placement, unchanged base first): chr18-13884884-CT-C. GRCh37 (hg19) VCF-style: chr18-13884883-CT-C.
Other names: c.634del, p.Arg212fs (NM_001291911.1); c.634delA (NM_000529.2); short protein forms R212fs.
Identifiers: ClinVar variation 492870 (VCV000492870.3), dbSNP rs1226345778, ClinGen allele CA628623268.
Genomic context (GRCh38, chr18:13,884,884, plus strand): 5'-CAGCAGAAGATGAAGACCCCGAGCAGGATGGTCAGTGTGATGGCCCCTTTCATGTTGGCT[CT>C]GGGGAGGGTGGAGATCTTCCTGGTGTGGGATCGAGCCAGCAGGAACATGTGCACATAGAG-3'

ClinVar aggregate classification (germline): Likely pathogenic. Review status: criteria provided, single submitter (1 of 4 stars). 2 submissions from 2 submitters: Likely pathogenic (1). 1 of the submissions does not count toward it. Last evaluated 2021-10-27.

Conditions:
Glucocorticoid Deficiency. Identifiers: MedGen C1955741.

Allele frequency attached by ClinVar (database versions not stated): gnomAD exomes below 0.00001; gnomAD 0.00002; TOPMed 0.00002.

Submissions (2):

GeneDx
Classification: Likely pathogenic. Last evaluated: 2021-10-27. Review status: criteria provided, single submitter. Criteria: GeneDx Variant Classification Process June 2021. Collection method: clinical testing. Allele origin: germline. Affected: yes.
Comment: Frameshift variant predicted to result in protein truncation, as the last 86 amino acids are replaced with 3 different amino acids, and other loss-of-function variants have been reported downstream in the Human Gene Mutation Database (HGMD); Not observed at significant frequency in large population cohorts (gnomAD); This variant is associated with the following publications: (PMID: 19170705, 32952553, 30963141)

Clinical Molecular Genetics Laboratory, Johns Hopkins All Children's Hospital
Classification: Pathogenic for Glucocorticoid Deficiency. Last evaluated: 2013-01-15. Review status: no assertion criteria provided. Collection method: clinical testing. Allele origin: germline. Affected: yes. Not counted in ClinVar's aggregate classification.